The following is an entry in ClinVar:

NM_000719.7(CACNA1C):c.3159A>G (p.Gly1053=)

Gene: CACNA1C (calcium voltage-gated channel subunit alpha1 C; plus strand). Cytogenetic location: 12p13.33.
Variant type: single nucleotide variant.
Coding change: c.3159A>G on transcript NM_000719.7 (MANE Select); coding-DNA position 3159, A replaced by G.
Protein change: p.Gly1053=; no amino-acid change (glycine 1053 retained).
Molecular consequence: synonymous variant.
Genome position (GRCh38, 1-based): chr12:2,606,613, A>G. VCF-style: chr12-2606613-A-G. GRCh37 (hg19) VCF-style: chr12-2715779-A-G.
Other names: c.3219A>G, p.Gly1073= (NM_001129827.2, NM_001129832.2, NM_199460.4); c.3159A>G, p.Gly1053= (NM_001129829.2, NM_001129830.3, NM_001129831.2 and 15 more transcripts); c.3150A>G, p.Gly1050= (NM_001129844.2).
Identifiers: ClinVar variation 1576216 (VCV001576216.11), dbSNP rs764298283, ClinGen allele CA6389179.

ClinVar aggregate classification (germline): Conflicting classifications of pathogenicity. Review status: criteria provided, conflicting classifications (1 of 4 stars). 4 submissions from 4 submitters: Uncertain significance (1); Likely benign (3). Last evaluated 2026-08-18.

Conditions:
CACNA1C-related disorder. Also called: CACNA1C-related disorders; CACNA1C-related condition. Identifiers: MedGen CN381092, MONDO:0700321.
Long QT syndrome 8. Identifiers: MedGen CN260585, MONDO:0032756, OMIM 618447.
Long QT syndrome (LQTS). Identifiers: MedGen C0023976, MeSH D008133, MONDO:0002442. Disease mechanism: loss of function. Inheritance: Various modes of inheritance.

Allele frequency attached by ClinVar (database versions not stated): gnomAD exomes below 0.00001 and 0.00001; ExAC 0.00002.
gnomAD v4.1: 10 of 1,605,266 alleles (0.00062%); highest among the groups gnomAD compares: Non-Finnish European, 0.00077%; no homozygotes.

Submissions (4):

PreventionGenetics, part of Exact Sciences
Classification: Likely benign for CACNA1C-related condition. Last evaluated: 2026-08-18. Review status: criteria provided, single submitter. Criteria: ACMG Guidelines, 2015. Collection method: clinical testing. Allele origin: germline.
Comment: This variant is classified as likely benign based on ACMG/AMP sequence variant interpretation guidelines (Richards et al. 2015 PMID: 25741868, with internal and published modifications).

Labcorp Genetics (formerly Invitae), Labcorp
Classification: Likely benign for Long QT syndrome. Last evaluated: 2026-01-13. Review status: criteria provided, single submitter. Criteria: Invitae Variant Classification Sherloc (09022015). Collection method: clinical testing. Allele origin: germline.

Victorian Clinical Genetics Services, Murdoch Childrens Research Institute
Classification: Uncertain significance for Long QT syndrome 8. Last evaluated: 2021-05-06. Review status: criteria provided, single submitter. Criteria: ACMG Guidelines, 2015. Collection method: clinical testing. Allele origin: germline. Inheritance: Autosomal dominant inheritance. Affected: yes.
Comment: Based on the classification scheme VCGS_Germline_v1.3.4, this variant is classified as VUS-3C. Following criteria are met: 0101 - Gain of function is a known mechanism of disease in this gene and is associated with Long QT syndrome 8 (MIM #618447), and Timothy syndrome (MIM#601005). Missense variants result in loss of channel inactivation, and increased current (OMIM, PMID: 25260352). (I) 0107 - This gene is associated with autosomal dominant disease. (I) 0212 - Non-canonical splice site variant without proven consequence on splicing (no functional evidence available). (SP) 0251 - This variant is heterozygous. (I) 0302 - Variant is present in gnomAD (v2) <0.001 for a dominant condition (1 heterozygote, 0 homozygotes). (SP) 0506 - Abnormal splicing is not predicted and nucleotide is poorly conserved. (SB) 0600 - Variant is located in the annotated S5 of repeat III of the ion transporter domain (Uniprot, NCBI). (I) 0705 - No comparable synonymous variants have previous evidence for pathogenicity. (I) 0807 - This variant has no previous evidence of pathogenicity. (I) 0905 - No published segregation evidence has been identified for this variant. (I) 1007 - No published functional evidence has been identified for this variant. (I) 1208 - Inheritance information for this variant is not currently available in this individual. (I) Legend: (SP) - Supporting pathogenic, (I) - Information, (SB) - Supporting benign

Blueprint Genetics
Classification: Likely benign. Last evaluated: 2020-01-28. Review status: criteria provided, single submitter. Criteria: ACMG Guidelines, 2015. Collection method: clinical testing. Allele origin: germline.

Literature cited by the submitters: PubMed 25260352 (cited by Victorian Clinical Genetics Services, Murdoch Childrens Research Institute).